The following is an entry in ClinVar:

ClinVar aggregate classification (germline): Likely benign. Review status: criteria provided, multiple submitters, no conflicts (2 of 4 stars). 2 submissions from 2 submitters: Likely benign (2). Last evaluated 2026-01-18.

Conditions:
Early-infantile DEE. Also called: Early infantile epileptic encephalopathy with suppression bursts; Ohtahara syndrome; Early infantile epileptic encephalopathy. Identifiers: Orphanet 1934, MedGen C0393706, MONDO:0800491.

Allele frequency attached by ClinVar (database versions not stated): TOPMed below 0.00001; gnomAD exomes 0.00001 and 0.00004; ExAC 0.00005.
gnomAD v4.1: 13 of 1,614,052 alleles (0.00081%); highest among the groups gnomAD compares: Admixed American, 0.022%; no homozygotes.

Submissions (2):

Labcorp Genetics (formerly Invitae), Labcorp
Classification: Likely benign for Early-infantile DEE. Last evaluated: 2026-01-18. Review status: criteria provided, single submitter. Criteria: Invitae Variant Classification Sherloc (09022015). Collection method: clinical testing. Allele origin: germline.

GeneDx
Classification: Likely benign. Last evaluated: 2017-05-12. Review status: criteria provided, single submitter. Criteria: GeneDx Variant Classification (06012015). Collection method: clinical testing. Allele origin: germline. Affected: yes.
Comment: This variant is considered likely benign or benign based on one or more of the following criteria: it is a conservative change, it occurs at a poorly conserved position in the protein, it is predicted to be benign by multiple in silico algorithms, and/or has population frequency not consistent with disease.

NM_001130438.3(SPTAN1):c.1536T>C (p.Phe512=)

Gene: SPTAN1 (spectrin alpha, non-erythrocytic 1; plus strand). Cytogenetic location: 9q34.11.
Variant type: single nucleotide variant.
Coding change: c.1536T>C on transcript NM_001130438.3 (MANE Select); coding-DNA position 1536, T replaced by C.
Protein change: p.Phe512=; no amino-acid change (phenylalanine 512 retained).
Molecular consequence: synonymous variant.
Genome position (GRCh38, 1-based): chr9:128,581,856, T>C. VCF-style: chr9-128581856-T-C. GRCh37 (hg19) VCF-style: chr9-131344135-T-C.
Other names: c.1536T>C, p.Phe512= (NM_001195532.2, NM_001363759.2, NM_001363765.2 and 1 more transcripts).
Identifiers: ClinVar variation 383821 (VCV000383821.10), dbSNP rs762887917, ClinGen allele CA5264426.